The following is an entry in ClinVar:

ClinVar aggregate classification (germline): Uncertain significance (1 of 4 stars; one submission).

Conditions:
Cardiomyopathy (CMYO). Also called: Cardiomyopathies. Identifiers: Orphanet 167848, MedGen C0878544, MONDO:0004994, HP:0001638. Inheritance: Various modes of inheritance.

Submission:

Color Diagnostics, LLC DBA Color Health
Classification: Uncertain significance for Cardiomyopathy. Last evaluated: 2024-03-07. Review status: criteria provided, single submitter. Criteria: ACMG Guidelines, 2015. Collection method: clinical testing. Allele origin: germline.
Comment: This missense variant replaces alanine with valine at codon 1394 of the MYH7 protein. Computational prediction suggests that this variant may not impact protein structure and function (internally defined REVEL score threshold <= 0.5, PMID: 27666373). To our knowledge, functional studies have not been reported for this variant. This variant has not been reported in individuals affected with cardiovascular disorders in the literature. This variant has not been identified in the general population by the Genome Aggregation Database (gnomAD). The available evidence is insufficient to determine the role of this variant in disease conclusively. Therefore, this variant is classified as a Variant of Uncertain Significance.

NM_000257.4(MYH7):c.4181C>T (p.Ala1394Val)

Gene: MYH7 (myosin heavy chain 7; minus strand). Cytogenetic location: 14q11.2.
Variant type: single nucleotide variant.
Coding change: c.4181C>T on transcript NM_000257.4 (MANE Select); coding-DNA position 4181, C replaced by T.
Protein change: p.Ala1394Val; replaces alanine 1394 with valine.
Molecular consequence: missense variant.
Genome position (GRCh38, 1-based): chr14:23,417,675, G>A on the plus strand (C>T on the coding strand, the complement: MYH7 is on the minus strand). VCF-style: chr14-23417675-G-A. GRCh37 (hg19) VCF-style: chr14-23886884-G-A.
Other names: short protein forms A1394V.
Identifiers: ClinVar variation 1172394 (VCV001172394.3), dbSNP rs2138646993, ClinGen allele CA389040593.